The following is an entry in ClinVar:

ClinVar aggregate classification (germline): Uncertain significance. Review status: criteria provided, multiple submitters, no conflicts (2 of 4 stars). 2 submissions from 2 submitters: Uncertain significance (2). Last evaluated 2025-07-31.

Conditions:
Idiopathic Pulmonary Fibrosis. Also called: Idiopathic fibrosing alveolitis, chronic form; idiopathic fibrosing alveolitis. Identifiers: Orphanet 2032, MedGen C1800706, MeSH D054990, MONDO:0800504.
Dyskeratosis congenita, autosomal dominant 2. Identifiers: MedGen C3151443, MONDO:0013521, OMIM 613989.

Allele frequency attached by ClinVar (database versions not stated): gnomAD exomes below 0.00001 and 0.00001; ExAC 0.00001; gnomAD 0.00001; TOPMed 0.00001.
gnomAD v4.1: 4 of 1,613,952 alleles (0.00025%); highest among the groups gnomAD compares: East Asian, 0.0022%; no homozygotes.

Submissions (2):

Labcorp Genetics (formerly Invitae), Labcorp
Classification: Uncertain significance for Dyskeratosis congenita, autosomal dominant 2; Idiopathic Pulmonary Fibrosis. Last evaluated: 2025-07-31. Review status: criteria provided, single submitter. Criteria: Invitae Variant Classification Sherloc (09022015). Collection method: clinical testing. Allele origin: germline.
Comment: This sequence change replaces arginine, which is basic and polar, with cysteine, which is neutral and slightly polar, at codon 537 of the TERT protein (p.Arg537Cys). This variant is present in population databases (rs760352197, gnomAD 0.007%). This missense change has been observed in individual(s) with clinical features of TERT-related disease (PMID: 30523342). ClinVar contains an entry for this variant (Variation ID: 436986). Invitae Evidence Modeling of protein sequence and biophysical properties (such as structural, functional, and spatial information, amino acid conservation, physicochemical variation, residue mobility, and thermodynamic stability) indicates that this missense variant is expected to disrupt TERT protein function with a positive predictive value of 95%. In summary, the available evidence is currently insufficient to determine the role of this variant in disease. Therefore, it has been classified as a Variant of Uncertain Significance.

Genetic Services Laboratory, University of Chicago
Classification: Uncertain significance. Last evaluated: 2015-12-07. Review status: criteria provided, single submitter. Criteria: ACMG Guidelines, 2015. Collection method: clinical testing. Allele origin: germline. Affected: no.

Literature cited by the submitters: PubMed 30523342 (cited by Labcorp Genetics (formerly Invitae), Labcorp).

NM_198253.3(TERT):c.1609C>T (p.Arg537Cys)

Gene: TERT (telomerase reverse transcriptase; minus strand). Cytogenetic location: 5p15.33.
Variant type: single nucleotide variant.
Coding change: c.1609C>T on transcript NM_198253.3 (MANE Select); coding-DNA position 1609, C replaced by T.
Protein change: p.Arg537Cys; replaces arginine 537 with cysteine.
Molecular consequence: missense variant. On other transcripts: non-coding transcript variant (2).
Genome position (GRCh38, 1-based): chr5:1,282,589, G>A on the plus strand (C>T on the coding strand, the complement: TERT is on the minus strand). VCF-style: chr5-1282589-G-A. GRCh37 (hg19) VCF-style: chr5-1282704-G-A.
Other names: c.1609C>T, p.Arg537Cys (NM_001193376.3); short protein forms R537C.
Identifiers: ClinVar variation 436986 (VCV000436986.14), dbSNP rs760352197, ClinGen allele CA3184794.